The following is an entry in ClinVar:

ClinVar aggregate classification (germline): Benign/Likely benign. Review status: criteria provided, multiple submitters, no conflicts (2 of 4 stars). 7 submissions from 7 submitters: Benign (3); Likely benign (3). 1 of the submissions does not count toward it. Last evaluated 2026-07-01.

Conditions:
Inborn genetic diseases. Identifiers: MedGen C0950123, MeSH D030342.
Alpha thalassemia-X-linked intellectual disability syndrome (ATRX). Also called: ALPHA-THALASSEMIA/IMPAIRED INTELLECTUAL DEVELOPMENT SYNDROME, X-LINKED; ATR, NONDELETION TYPE; ALPHA-THALASSEMIA/MENTAL RETARDATION SYNDROME, X-LINKED; ATR-X syndrome; Alpha thalassemia mental retardation syndrome, nondeletion type, X-linked; XLMR hypotonic face syndrome. Identifiers: Orphanet 847, MedGen C1845055, MONDO:0010519, OMIM 301040.
ATRX-related disorder. Also called: ATRX-related condition.

Allele frequency attached by ClinVar (database versions not stated): gnomAD exomes 0.00033 and 0.00010; ESP Exome Variant Server 0.00123; gnomAD 0.00129 and 0.00127; ExAC 0.00037; 1000 Genomes Project 0.00132; TOPMed 0.00135; 1000 Genomes Project 30x 0.00166.
gnomAD v4.1: 260 of 1,208,759 alleles (0.022%); highest among the groups gnomAD compares: African/African-American, 0.39%; no homozygotes.

Submissions (7):

CeGaT Center for Human Genetics Tuebingen
Classification: Likely benign. Last evaluated: 2026-07-01. Review status: criteria provided, single submitter. Criteria: CeGaT Center For Human Genetics Tuebingen Variant Classification Criteria Version 2. Collection method: clinical testing. Allele origin: germline. Affected: yes. Observed: 2 variant alleles.
Comment: ATRX: BP4, BS2

Labcorp Genetics (formerly Invitae), Labcorp
Classification: Benign for Alpha thalassemia-X-linked intellectual disability syndrome. Last evaluated: 2026-01-31. Review status: criteria provided, single submitter. Criteria: Invitae Variant Classification Sherloc (09022015). Collection method: clinical testing. Allele origin: germline.

Blueprint Genetics
Classification: Likely benign. Last evaluated: 2024-04-22. Review status: criteria provided, single submitter. Criteria: ACMG Guidelines, 2015. Collection method: clinical testing. Allele origin: germline.

GeneDx
Classification: Benign. Last evaluated: 2020-07-02. Review status: criteria provided, single submitter. Criteria: GeneDx Variant Classification Process June 2021. Collection method: clinical testing. Allele origin: germline. Affected: yes.

Eurofins Ntd Llc (ga)
Classification: Benign. Last evaluated: 2016-08-18. Review status: criteria provided, single submitter. Criteria: EGL Classification Definitions 2015. Collection method: clinical testing. Allele origin: germline. Observed: 1 variant allele, 1 hemizygote.

Ambry Genetics
Classification: Likely benign for Inborn genetic diseases. Last evaluated: 2016-08-05. Review status: criteria provided, single submitter. Criteria: Ambry Variant Classification Scheme 2023. Collection method: clinical testing. Allele origin: germline.

PreventionGenetics, part of Exact Sciences
Classification: Likely benign for ATRX-related condition. Last evaluated: 2022-12-05. Review status: no assertion criteria provided. Collection method: clinical testing. Allele origin: germline. Not counted in ClinVar's aggregate classification.
Comment: This variant is classified as likely benign based on ACMG/AMP sequence variant interpretation guidelines (Richards et al. 2015 PMID: 25741868, with internal and published modifications).

NM_000489.6(ATRX):c.4239A>G (p.Glu1413=)

Gene: ATRX (ATRX chromatin remodeler; minus strand). Cytogenetic location: Xq21.1.
Variant type: single nucleotide variant.
Coding change: c.4239A>G on transcript NM_000489.6 (MANE Select); coding-DNA position 4239, A replaced by G.
Protein change: p.Glu1413=; no amino-acid change (glutamic acid 1413 retained).
Molecular consequence: synonymous variant.
Genome position (GRCh38, 1-based): chrX:77,654,176, T>C on the plus strand (A>G on the coding strand, the complement: ATRX is on the minus strand). VCF-style: chrX-77654176-T-C. GRCh37 (hg19) VCF-style: chrX-76909666-T-C.
Other names: c.4125A>G, p.Glu1375= (NM_138270.5).
Identifiers: ClinVar variation 290043 (VCV000290043.28), dbSNP rs141974120, ClinGen allele CA10457819.